The following is an entry in ClinVar:

ClinVar aggregate classification (germline): Uncertain significance. Review status: criteria provided, multiple submitters, no conflicts (2 of 4 stars). 3 submissions from 3 submitters: Uncertain significance (2). 1 of the submissions does not count toward it. Last evaluated 2023-11-03.

Conditions:
Inborn genetic diseases. Identifiers: MedGen C0950123, MeSH D030342.
Decreased circulating carnitine concentration. Also called: Decreased plasma carnitine. Identifiers: MedGen C5848230, HP:0003234.
Renal carnitine transport defect (CDSP). Also called: Systemic primary carnitine deficiency; Carnitine transporter deficiency; Carnitine Deficiency, Systemic; Primary carnitine deficiency; CARNITINE DEFICIENCY, SYSTEMIC, DUE TO DEFECT IN RENAL REABSORPTION OF CARNITINE; CARNITINE TRANSPORTER, PLASMA-MEMBRANE, DEFICIENCY OF. Identifiers: Orphanet 158, MedGen C0342788, MONDO:0008919, OMIM 212140.

Allele frequency attached by ClinVar (database versions not stated): gnomAD exomes below 0.00001 and 0.00001; gnomAD 0.00001; TOPMed 0.00002; ExAC 0.00003.
gnomAD v4.1: 7 of 1,596,162 alleles (0.00044%); highest among the groups gnomAD compares: Middle Eastern, 0.017%; no homozygotes.

Submissions (3):

Ambry Genetics
Classification: Uncertain significance for Inborn genetic diseases. Last evaluated: 2023-11-03. Review status: criteria provided, single submitter. Criteria: Ambry Variant Classification Scheme 2023. Collection method: clinical testing. Allele origin: germline.

Labcorp Genetics (formerly Invitae), Labcorp
Classification: Uncertain significance for Renal carnitine transport defect. Last evaluated: 2022-03-14. Review status: criteria provided, single submitter. Criteria: Invitae Variant Classification Sherloc (09022015). Collection method: clinical testing. Allele origin: germline.
Comment: This sequence change replaces glycine, which is neutral and non-polar, with arginine, which is basic and polar, at codon 100 of the SLC22A5 protein (p.Gly100Arg). This variant is present in population databases (rs779263168, gnomAD 0.007%). This variant has not been reported in the literature in individuals affected with SLC22A5-related conditions. ClinVar contains an entry for this variant (Variation ID: 969757). Algorithms developed to predict the effect of missense changes on protein structure and function are either unavailable or do not agree on the potential impact of this missense change (SIFT: "Deleterious"; PolyPhen-2: "Possibly Damaging"; Align-GVGD: "Class C0"). In summary, the available evidence is currently insufficient to determine the role of this variant in disease. Therefore, it has been classified as a Variant of Uncertain Significance.

Natera, Inc.
Classification: Uncertain significance for Carnitine deficiency. Last evaluated: 2020-12-04. Review status: no assertion criteria provided. Collection method: clinical testing. Allele origin: germline. Not counted in ClinVar's aggregate classification.

NM_003060.4(SLC22A5):c.298G>C (p.Gly100Arg)

Gene: SLC22A5 (solute carrier family 22 member 5; plus strand). Cytogenetic location: 5q31.1.
Variant type: single nucleotide variant.
Coding change: c.298G>C on transcript NM_003060.4 (MANE Select); coding-DNA position 298, G replaced by C.
Protein change: p.Gly100Arg; replaces glycine 100 with arginine.
Molecular consequence: missense variant.
Genome position (GRCh38, 1-based): chr5:132,370,270, G>C. VCF-style: chr5-132370270-G-C. GRCh37 (hg19) VCF-style: chr5-131705962-G-C.
Other names: c.298G>C, p.Gly100Arg (NM_001308122.2); short protein forms G100R.
Identifiers: ClinVar variation 969757 (VCV000969757.11), dbSNP rs779263168, ClinGen allele CA3403837.